The following is an entry in ClinVar:

NM_014975.3(MAST1):c.4046G>T (p.Gly1349Val)

Gene: MAST1 (microtubule associated serine/threonine kinase 1; plus strand). Cytogenetic location: 19p13.13.
Variant type: single nucleotide variant.
Coding change: c.4046G>T on transcript NM_014975.3 (MANE Select); coding-DNA position 4046, G replaced by T.
Protein change: p.Gly1349Val; replaces glycine 1349 with valine.
Molecular consequence: missense variant.
Genome position (GRCh38, 1-based): chr19:12,874,203, G>T. VCF-style: chr19-12874203-G-T. GRCh37 (hg19) VCF-style: chr19-12985017-G-T.
Other names: short protein forms G1349V.
Identifiers: ClinVar variation 3729512 (VCV003729512.2).

ClinVar aggregate classification (germline): Uncertain significance (1 of 4 stars; one submission).

Submission:

Labcorp Genetics (formerly Invitae), Labcorp
Classification: Uncertain significance. Last evaluated: 2025-01-25. Review status: criteria provided, single submitter. Criteria: Invitae Variant Classification Sherloc (09022015). Collection method: clinical testing. Allele origin: germline.
Comment: This sequence change replaces glycine, which is neutral and non-polar, with valine, which is neutral and non-polar, at codon 1349 of the MAST1 protein (p.Gly1349Val). This variant is not present in population databases (gnomAD no frequency). This variant has not been reported in the literature in individuals affected with MAST1-related conditions. An algorithm developed to predict the effect of missense changes on protein structure and function (PolyPhen-2) suggests that this variant is likely to be tolerated. In summary, the available evidence is currently insufficient to determine the role of this variant in disease. Therefore, it has been classified as a Variant of Uncertain Significance.